The following is an entry in ClinVar:

NM_017654.4(SAMD9):c.994A>C (p.Ile332Leu)

Gene: SAMD9 (sterile alpha motif domain containing 9; minus strand). Cytogenetic location: 7q21.2.
Variant type: single nucleotide variant.
Coding change: c.994A>C on transcript NM_017654.4 (MANE Select); coding-DNA position 994, A replaced by C.
Protein change: p.Ile332Leu; replaces isoleucine 332 with leucine.
Molecular consequence: missense variant.
Genome position (GRCh38, 1-based): chr7:93,105,104, T>G on the plus strand (A>C on the coding strand, the complement: SAMD9 is on the minus strand). VCF-style: chr7-93105104-T-G. GRCh37 (hg19) VCF-style: chr7-92734417-T-G.
Other names: c.994A>C, p.Ile332Leu (NM_001193307.2); short protein forms I332L.
Identifiers: ClinVar variation 5028756 (VCV005028756.1).
Genomic context (GRCh38, chr7:93,105,104, plus strand): 5'-TGTCCTTAGAGCTGGTCCCATCTCGCACAAATAGTGAGAATTTTTTACTTTGTTCCCATA[T>G]TTTGTTGTTGTAATTTTGCATTTTAATCTGGAAATAATCATATTGGCATTCAGAGAACTG-3'
Protein context (NP_060124.2, residues 322-342): QIKMQNYNNK[Ile332Leu]WEQSKKFSLF

ClinVar aggregate classification (germline): Uncertain significance (1 of 4 stars; one submission).

Conditions:
Inborn genetic diseases. Identifiers: MedGen C0950123, MeSH D030342.

Submission:

Ambry Genetics
Classification: Uncertain significance for Inborn genetic diseases. Last evaluated: 2026-07-11. Review status: criteria provided, single submitter. Criteria: Ambry Variant Classification Scheme 2023. Collection method: clinical testing. Allele origin: germline.
Comment: The p.I332L variant (also known as c.994A>C), located in coding exon 1 of the SAMD9 gene, results from an A to C substitution at nucleotide position 994. The isoleucine at codon 332 is replaced by leucine, an amino acid with highly similar properties. This amino acid position is conserved. In addition, this alteration is predicted to be tolerated by in silico analysis. Based on the available evidence, the clinical significance of this variant remains unclear.